The following is an entry in ClinVar:

NM_025114.4(CEP290):c.3791G>A (p.Arg1264His)

Gene: CEP290 (centrosomal protein 290; minus strand). Cytogenetic location: 12q21.32.
Variant type: single nucleotide variant.
Coding change: c.3791G>A on transcript NM_025114.4 (MANE Select); coding-DNA position 3791, G replaced by A.
Protein change: p.Arg1264His; replaces arginine 1264 with histidine.
Molecular consequence: missense variant.
Genome position (GRCh38, 1-based): chr12:88,089,270, C>T on the plus strand (G>A on the coding strand, the complement: CEP290 is on the minus strand). VCF-style: chr12-88089270-C-T. GRCh37 (hg19) VCF-style: chr12-88483047-C-T.
Other names: short protein forms R1264H.
Identifiers: ClinVar variation 848000 (VCV000848000.13), dbSNP rs774144082, ClinGen allele CA6712083.

ClinVar aggregate classification (germline): Uncertain significance. Review status: criteria provided, multiple submitters, no conflicts (2 of 4 stars). 6 submissions from 6 submitters: Uncertain significance (5). 1 of the submissions does not count toward it. Last evaluated 2026-03-20.

Conditions:
Leber congenital amaurosis (LCA). Also called: Leber's amaurosis. Identifiers: Orphanet 65, MedGen C0339527, MeSH D057130, MONDO:0018998.
CEP290-related disorder. Also called: CEP290-related condition; CEP290-related disorders. Identifiers: MedGen CN239314.
Joubert syndrome 5 (JBTS5). Identifiers: Orphanet 2318, MedGen C1857780, MONDO:0012432, OMIM 610188.
Meckel syndrome, type 4 (MKS4). Also called: MECKEL-GRUBER SYNDROME, TYPE 4. Identifiers: Orphanet 564, MedGen C1970161, MONDO:0012626, OMIM 611134.
Senior-Loken syndrome 6 (SLSN6). Identifiers: Orphanet 3156, MedGen C1857779, MONDO:0012433, OMIM 610189.
Leber congenital amaurosis 10 (LCA10). Identifiers: Orphanet 65, MedGen C1857821, MONDO:0012723, OMIM 611755.
Bardet-Biedl syndrome 14 (BBS14). Identifiers: Orphanet 110, MedGen C2673874, MONDO:0014442, OMIM 615991.
Nephronophthisis. Also called: Juvenile Nephronophthisis. Identifiers: Orphanet 655, MedGen C0687120, MONDO:0019005, HP:0000090.
Meckel-Gruber syndrome. Also called: GRUBER SYNDROME; DYSENCEPHALIA SPLANCHNOCYSTICA; Dysencephalia splachnocystica. Identifiers: Orphanet 564, MedGen C0265215, MONDO:0018921.
Joubert syndrome. Also called: Familial aplasia of the vermis; JOUBERT-BOLTSHAUSER SYNDROME. Identifiers: Orphanet 475, MedGen C5979921, MONDO:0018772.

Allele frequency attached by ClinVar (database versions not stated): ExAC 0.00003; gnomAD exomes 0.00003 and 0.00004; gnomAD 0.00004; TOPMed 0.00004.
gnomAD v4.1: 50 of 1,613,788 alleles (0.0031%); highest among the groups gnomAD compares: Non-Finnish European, 0.0036%; no homozygotes.

Submissions (6):

PreventionGenetics, part of Exact Sciences
Classification: Uncertain significance for CEP290-related condition. Last evaluated: 2026-03-20. Review status: criteria provided, single submitter. Criteria: ACMG Guidelines, 2015. Collection method: clinical testing. Allele origin: germline.
Comment: The CEP290 c.3791G>A variant is predicted to result in the amino acid substitution p.Arg1264His. To our knowledge, this variant has not been reported in the literature. This variant is reported in 0.0065% of alleles in individuals of African descent in gnomAD. At this time, the clinical significance of this variant is uncertain due to the absence of conclusive functional and genetic evidence.

Labcorp Genetics (formerly Invitae), Labcorp
Classification: Uncertain significance for Joubert syndrome; Meckel-Gruber syndrome; Nephronophthisis. Last evaluated: 2024-12-02. Review status: criteria provided, single submitter. Criteria: Invitae Variant Classification Sherloc (09022015). Collection method: clinical testing. Allele origin: germline.
Comment: This sequence change replaces arginine, which is basic and polar, with histidine, which is basic and polar, at codon 1264 of the CEP290 protein (p.Arg1264His). This variant is present in population databases (rs774144082, gnomAD 0.007%). This variant has not been reported in the literature in individuals affected with CEP290-related conditions. ClinVar contains an entry for this variant (Variation ID: 848000). Invitae Evidence Modeling of protein sequence and biophysical properties (such as structural, functional, and spatial information, amino acid conservation, physicochemical variation, residue mobility, and thermodynamic stability) indicates that this missense variant is expected to disrupt CEP290 protein function with a positive predictive value of 80%. In summary, the available evidence is currently insufficient to determine the role of this variant in disease. Therefore, it has been classified as a Variant of Uncertain Significance.

Blueprint Genetics
Classification: Uncertain significance. Last evaluated: 2024-11-26. Review status: criteria provided, single submitter. Criteria: ACMG Guidelines, 2015. Collection method: clinical testing. Allele origin: germline.

Fulgent Genetics
Classification: Uncertain significance for Joubert syndrome 5; Senior-Loken syndrome 6; Meckel syndrome, type 4; Leber congenital amaurosis 10; Bardet-Biedl syndrome 14. Last evaluated: 2024-01-08. Review status: criteria provided, single submitter. Criteria: ACMG Guidelines, 2015. Collection method: clinical testing. Allele origin: germline.

Greenwood Genetic Center Diagnostic Laboratories, Greenwood Genetic Center
Classification: Uncertain significance. Last evaluated: 2022-04-05. Review status: criteria provided, single submitter. Criteria: ACMG Guidelines, 2015. Collection method: clinical testing. Allele origin: germline. Affected: yes.
Comment: PM2, BP4

Natera, Inc.
Classification: Uncertain significance for Leber congenital amaurosis. Last evaluated: 2020-02-17. Review status: no assertion criteria provided. Collection method: clinical testing. Allele origin: germline. Not counted in ClinVar's aggregate classification.